The following is an entry in ClinVar:

ClinVar aggregate classification (germline): Conflicting classifications of pathogenicity. Review status: criteria provided, conflicting classifications (1 of 4 stars). 3 submissions from 3 submitters: Uncertain significance (1); Benign (1); Likely benign (1). Last evaluated 2025-01-14.

Conditions:
Familial cancer of breast. Also called: hereditary breast carcinoma; BREAST CANCER, FAMILIAL; Hereditary breast cancer. Identifiers: Orphanet 227535, MedGen C0346153, MONDO:0016419, OMIM 114480. Disease mechanism: loss of function.
Hereditary cancer-predisposing syndrome. Also called: Neoplastic Syndromes, Hereditary; Tumor predisposition; Hereditary Cancer Syndrome; Hereditary neoplastic syndrome. Identifiers: Orphanet 140162, MedGen C0027672, MeSH D009386, MONDO:0015356.

Allele frequency attached by ClinVar (database versions not stated): gnomAD exomes below 0.00001; TOPMed below 0.00001.
gnomAD v4.1: 1 of 1,614,114 alleles (0.000062%); highest among the groups gnomAD compares: African/African-American, 0.0013%; no homozygotes.

Submissions (3):

Myriad Genetics, Inc.
Classification: Benign for Familial cancer of breast. Last evaluated: 2025-01-14. Review status: criteria provided, single submitter. Criteria: Myriad Autosomal Dominant, Autosomal Recessive and X-Linked Classification Criteria (2023). Collection method: clinical testing. Allele origin: unknown.
Comment: This variant is considered benign. This variant is a silent/synonymous amino acid change and it is not expected to impact splicing.

Labcorp Genetics (formerly Invitae), Labcorp
Classification: Uncertain significance for Familial cancer of breast. Last evaluated: 2018-12-18. Review status: criteria provided, single submitter. Criteria: Invitae Variant Classification Sherloc (09022015). Collection method: clinical testing. Allele origin: germline.
Comment: This variant is not present in population databases (ExAC no frequency). In summary, the available evidence is currently insufficient to determine the role of this variant in disease. Therefore, it has been classified as a Variant of Uncertain Significance. Algorithms developed to predict the effect of sequence changes on RNA splicing suggest that this variant may create or strengthen a splice site, but this prediction has not been confirmed by published transcriptional studies. This variant has not been reported in the literature in individuals with PALB2-related conditions. This sequence change affects codon 593 of the PALB2 mRNA. It is a 'silent' change, meaning that it does not change the encoded amino acid sequence of the PALB2 protein.

Ambry Genetics
Classification: Likely benign for Hereditary cancer-predisposing syndrome. Last evaluated: 2018-10-10. Review status: criteria provided, single submitter. Criteria: Ambry Variant Classification Scheme 2023. Collection method: clinical testing. Allele origin: germline.

NM_024675.4(PALB2):c.1779T>C (p.His593=)

Gene: PALB2 (partner and localizer of BRCA2; minus strand). Cytogenetic location: 16p12.2.
Variant type: single nucleotide variant.
Coding change: c.1779T>C on transcript NM_024675.4 (MANE Select); coding-DNA position 1779, T replaced by C.
Protein change: p.His593=; no amino-acid change (histidine 593 retained).
Molecular consequence: synonymous variant.
Genome position (GRCh38, 1-based): chr16:23,630,375, A>G on the plus strand (T>C on the coding strand, the complement: PALB2 is on the minus strand). VCF-style: chr16-23630375-A-G. GRCh37 (hg19) VCF-style: chr16-23641696-A-G.
Identifiers: ClinVar variation 652679 (VCV000652679.15), dbSNP rs1475548158, ClinGen allele CA494461386.